The following is an entry in ClinVar:

ClinVar aggregate classification (germline): Uncertain significance (1 of 4 stars; one submission).

Submission:

Labcorp Genetics (formerly Invitae), Labcorp
Classification: Uncertain significance. Last evaluated: 2022-10-17. Review status: criteria provided, single submitter. Criteria: Invitae Variant Classification Sherloc (09022015). Collection method: clinical testing. Allele origin: germline.
Comment: This variant has not been reported in the literature in individuals affected with DIP2C-related conditions. This variant is not present in population databases (gnomAD no frequency). This sequence change replaces leucine, which is neutral and non-polar, with proline, which is neutral and non-polar, at codon 303 of the DIP2C protein (p.Leu303Pro). ClinVar contains an entry for this variant (Variation ID: 1375042). In summary, the available evidence is currently insufficient to determine the role of this variant in disease. Therefore, it has been classified as a Variant of Uncertain Significance. Algorithms developed to predict the effect of missense changes on protein structure and function (SIFT, PolyPhen-2, Align-GVGD) all suggest that this variant is likely to be tolerated.

NM_014974.3(DIP2C):c.908T>C (p.Leu303Pro)

Gene: DIP2C (DIP2 acetate--CoA ligase C (putative); minus strand). Cytogenetic location: 10p15.3.
Variant type: single nucleotide variant.
Coding change: c.908T>C on transcript NM_014974.3 (MANE Select); coding-DNA position 908, T replaced by C.
Protein change: p.Leu303Pro; replaces leucine 303 with proline.
Molecular consequence: missense variant.
Genome position (GRCh38, 1-based): chr10:414,062, A>G on the plus strand (T>C on the coding strand, the complement: DIP2C is on the minus strand). VCF-style: chr10-414062-A-G. GRCh37 (hg19) VCF-style: chr10-460002-A-G.
Other names: short protein forms L303P.
Identifiers: ClinVar variation 1375042 (VCV001375042.6), dbSNP rs2133096610, ClinGen allele CA375832155.